The following is an entry in ClinVar:

NM_006073.4(TRDN):c.553A>G (p.Thr185Ala)

Gene: TRDN (triadin; minus strand). Cytogenetic location: 6q22.31.
Variant type: single nucleotide variant.
Coding change: c.553A>G on transcript NM_006073.4 (MANE Select); coding-DNA position 553, A replaced by G.
Protein change: p.Thr185Ala; replaces threonine 185 with alanine.
Molecular consequence: missense variant.
Genome position (GRCh38, 1-based): chr6:123,512,360, T>C on the plus strand (A>G on the coding strand, the complement: TRDN is on the minus strand). VCF-style: chr6-123512360-T-C. GRCh37 (hg19) VCF-style: chr6-123833505-T-C.
Other names: c.553A>G, p.Thr185Ala (NM_001251987.2, NM_001256020.2, NM_001256021.2); short protein forms T185A.
Identifiers: ClinVar variation 423465 (VCV000423465.2), dbSNP rs1064796444, ClinGen allele CA16618238.
Genomic context (GRCh38, chr6:123,512,360, plus strand): 5'-TACCTTTCGCCAGTGTCTTTGTTTCTGGTTTTTCTTTTTTCTCAATTTTTTCCTTGTGAG[T>C]TGCTTAAACAGAAAATTTTACATTAGTACACATTTTTAATAGATTTCAAAACCAAGCTTT-3'
Protein context (NP_006064.2, residues 175-195): REKEKPEKKA[Thr185Ala]HKEKIEKKEK

ClinVar aggregate classification (germline): Uncertain significance (1 of 4 stars; one submission).

Allele frequency attached by ClinVar (database versions not stated): TOPMed below 0.00001.

Submission:

GeneDx
Classification: Uncertain significance. Last evaluated: 2017-02-10. Review status: criteria provided, single submitter. Criteria: GeneDx Variant Classification (06012015). Collection method: clinical testing. Allele origin: germline. Affected: yes.
Comment: A variant of uncertain significance has been identified in the TRDN gene. The T185A variant has not been published as pathogenic or been reported as benign to our knowledge. This variant is not observed in large population cohorts (Lek et al., 2016; 1000 Genomes Consortium et al., 2015; Exome Variant Server). The T185A variant is a non-conservative amino acid substitution, which is likely to impact secondary protein structure as these residues differ in polarity, charge, size and/or other properties. However, this substitution occurs at a position that is not conserved across species and where alanine is present as the wild type in at least one species. In silico analysis suggests that this variant likely does not alter the protein structure/function.